The following is an entry in ClinVar:

ClinVar aggregate classification (germline): Uncertain significance (1 of 4 stars; one submission).

Submission:

Ambry Genetics
Classification: Uncertain significance. Last evaluated: 2026-06-20. Review status: criteria provided, single submitter. Criteria: Ambry Variant Classification Scheme 2023. Collection method: clinical testing. Allele origin: germline.
Comment: The p.S378T variant (also known as c.1132T>A), located in coding exon 8 of the RNF43 gene, results from a T to A substitution at nucleotide position 1132. The serine at codon 378 is replaced by threonine, an amino acid with similar properties. This amino acid position is conserved. In addition, this alteration is predicted to be tolerated by in silico analysis. Based on the available evidence, the clinical significance of this variant remains unclear.

NM_017763.6(RNF43):c.1132T>A (p.Ser378Thr)

Gene: RNF43 (ring finger protein 43; minus strand). Cytogenetic location: 17q22.
Variant type: single nucleotide variant.
Coding change: c.1132T>A on transcript NM_017763.6 (MANE Select); coding-DNA position 1132, T replaced by A.
Protein change: p.Ser378Thr; replaces serine 378 with threonine.
Molecular consequence: missense variant.
Genome position (GRCh38, 1-based): chr17:58,358,644, A>T on the plus strand (T>A on the coding strand, the complement: RNF43 is on the minus strand). VCF-style: chr17-58358644-A-T. GRCh37 (hg19) VCF-style: chr17-56436005-A-T.
Other names: c.1132T>A, p.Ser378Thr (NM_001438821.1, NM_001438822.1, NM_001305544.3 and 1 more transcripts); c.751T>A, p.Ser251Thr (NM_001305545.2, NM_001437987.1); short protein forms S378T, S251T.
Identifiers: ClinVar variation 5028320 (VCV005028320.1).